The following is an entry in ClinVar:

NM_002802.3(PSMC1):c.882-5C>T

Genes: NRDE2 (NRDE-2, necessary for RNA interference, domain containing; minus strand), PSMC1 (proteasome 26S subunit, ATPase 1; plus strand). Cytogenetic location: 14q32.11.
Variant type: single nucleotide variant.
Coding change: c.882-5C>T on transcript NM_002802.3 (MANE Select); 5 bases into the intron before coding-DNA position 882, C replaced by T.
Molecular consequence: intron variant. On other transcripts: 3 prime UTR variant (1).
Genome position (GRCh38, 1-based): chr14:90,269,392, C>T. VCF-style: chr14-90269392-C-T. GRCh37 (hg19) VCF-style: chr14-90735736-C-T.
Other names: c.*8944G>A (NM_017970.4); c.663-5C>T (NM_001330212.2).
Identifiers: ClinVar variation 4820905 (VCV004820905.4).

ClinVar aggregate classification (germline): Likely benign (1 of 4 stars; one submission).

gnomAD v4.1: 4,689 of 1,566,484 alleles (0.3%); highest among the groups gnomAD compares: Non-Finnish European, 0.36%; 10 homozygotes.

Submission:

CeGaT Center for Human Genetics Tuebingen
Classification: Likely benign. Last evaluated: 2026-01-01. Review status: criteria provided, single submitter. Criteria: CeGaT Center For Human Genetics Tuebingen Variant Classification Criteria Version 2. Collection method: clinical testing. Allele origin: germline. Affected: yes. Observed: 1 variant allele.
Comment: PSMC1: BP4, BS2